The following is an entry in ClinVar:

NM_001142864.4(PIEZO1):c.1000G>A (p.Ala334Thr)

Genes: HSALR1 (HSP90AB1 associated lncRNA 1; plus strand), PIEZO1 (piezo type mechanosensitive ion channel component 1 (Er blood group); minus strand). Cytogenetic location: 16q24.3.
Variant type: single nucleotide variant.
Coding change: c.1000G>A on transcript NM_001142864.4 (MANE Select); coding-DNA position 1000, G replaced by A.
Protein change: p.Ala334Thr; replaces alanine 334 with threonine.
Molecular consequence: missense variant. On other transcripts: non-coding transcript variant (1).
Genome position (GRCh38, 1-based): chr16:88,737,954, C>T on the plus strand (G>A on the coding strand, the complement: PIEZO1 is on the minus strand). VCF-style: chr16-88737954-C-T. GRCh37 (hg19) VCF-style: chr16-88804362-C-T.
Other names: c.1000G>A (NM_001142864.3); short protein forms A334T.
Identifiers: ClinVar variation 3306419 (VCV003306419.3).

ClinVar aggregate classification (germline): Uncertain significance. Review status: criteria provided, multiple submitters, no conflicts (2 of 4 stars). 3 submissions from 3 submitters: Uncertain significance (2). 1 of the submissions does not count toward it. Last evaluated 2024-12-20.

Conditions:
PIEZO1-related disorder. Also called: PIEZO1-related condition; PIEZO1-Related Disorders.
Inborn genetic diseases. Identifiers: MedGen C0950123, MeSH D030342.
Lymphatic malformation 6 (LMPHM6). Also called: GENERALIZED LYMPHATIC DYSPLASIA OF FOTIOU; Lymphedema, hereditary, III; PIEZO1-related generalized lymphatic dysplasia with non-immune hydrops fetalis. Identifiers: Orphanet 568062, MedGen C4225184, MONDO:0014797, OMIM 616843.

gnomAD v4.1: 69 of 1,531,914 alleles (0.0045%); highest among the groups gnomAD compares: South Asian, 0.0096%; no homozygotes.

Submissions (3):

Clinical Genomics Laboratory, Washington University in St. Louis
Classification: Uncertain significance for Lymphatic malformation 6. Last evaluated: 2024-12-20. Review status: criteria provided, single submitter. Criteria: ACMG Guidelines, 2015. Collection method: clinical testing. Allele origin: germline.
Comment: A PIEZO1 c.1000G>A (p.Ala334Thr) variant was identified at a near heterozygous allelic fraction of 49%, a frequency which may be consistent with germline origin. This variant, to our knowledge, has not been reported in the medical literature and is only observed on 69/1,531,914 alleles in the general population (gnomAD v.4.1.0), indicating it is not a common variant. It has been reported in the ClinVar database as a germline variant of uncertain signifiance by two submitters (ClinVar Variation ID: 3306419). Computational predictors suggest that the variant does not impact PIEZO1 function. Due to limited information, and based on ACMG/AMP guidelines for variant interpretation (Richards S et al., PMID: 25741868), the clinical significance of this variant is uncertain at this time.

Ambry Genetics
Classification: Uncertain significance for Inborn genetic diseases. Last evaluated: 2024-04-01. Review status: criteria provided, single submitter. Criteria: Ambry Variant Classification Scheme 2023. Collection method: clinical testing. Allele origin: germline.

PreventionGenetics, part of Exact Sciences
Classification: Uncertain significance for PIEZO1-related condition. Last evaluated: 2024-06-26. Review status: no assertion criteria provided. Collection method: clinical testing. Allele origin: germline. Not counted in ClinVar's aggregate classification.
Comment: The PIEZO1 c.1000G>A variant is predicted to result in the amino acid substitution p.Ala334Thr. To our knowledge, this variant has not been reported in the literature. This variant is reported in 0.014% of alleles in individuals of South Asian descent in gnomAD. At this time, the clinical significance of this variant is uncertain due to the absence of conclusive functional and genetic evidence.